The following is an entry in ClinVar:

ClinVar aggregate classification (germline): Uncertain significance (1 of 4 stars; one submission).

Conditions:
Epidermolysis bullosa simplex 3, localized or generalized intermediate, with BP230 deficiency (EBS3). Also called: Epidermolysis bullosa simplex due to BP230 deficiency; Epidermolysis bullosa simplex, autosomal recessive 2. Identifiers: Orphanet 412181, MedGen C3809470, MONDO:0014180, OMIM 615425.
Hereditary sensory and autonomic neuropathy type 6. Also called: Neuropathy, hereditary sensory and autonomic, type VI; HSAN VI. Identifiers: Orphanet 314381, MedGen C3539003, MONDO:0013839, OMIM 614653.

Allele frequency attached by ClinVar (database versions not stated): gnomAD exomes below 0.00001; TOPMed 0.00001.
gnomAD v4.1: 1 of 1,614,172 alleles (0.000062%); highest among the groups gnomAD compares: East Asian, 0.0022%; no homozygotes.

Submission:

Labcorp Genetics (formerly Invitae), Labcorp
Classification: Uncertain significance for Epidermolysis bullosa simplex 3, localized or generalized intermediate, with BP230 deficiency; Hereditary sensory and autonomic neuropathy type 6. Last evaluated: 2022-03-23. Review status: criteria provided, single submitter. Criteria: Invitae Variant Classification Sherloc (09022015). Collection method: clinical testing. Allele origin: germline.
Comment: ClinVar contains an entry for this variant (Variation ID: 952790). This variant has not been reported in the literature in individuals affected with DST-related conditions. This variant is not present in population databases (gnomAD no frequency). This sequence change replaces arginine, which is basic and polar, with lysine, which is basic and polar, at codon 151 of the DST protein (p.Arg151Lys). Algorithms developed to predict the effect of missense changes on protein structure and function (SIFT, PolyPhen-2, Align-GVGD) all suggest that this variant is likely to be disruptive. In summary, the available evidence is currently insufficient to determine the role of this variant in disease. Therefore, it has been classified as a Variant of Uncertain Significance. Algorithms developed to predict the effect of sequence changes on RNA splicing suggest that this variant may create or strengthen a splice site.

NM_001374736.1(DST):c.2063G>A (p.Arg688Lys)

Gene: DST (dystonin; minus strand). Cytogenetic location: 6p12.1.
Variant type: single nucleotide variant.
Coding change: c.2063G>A on transcript NM_001374736.1 (MANE Select); coding-DNA position 2063, G replaced by A.
Protein change: p.Arg688Lys; replaces arginine 688 with lysine.
Molecular consequence: missense variant.
Genome position (GRCh38, 1-based): chr6:56,640,570, C>T on the plus strand (G>A on the coding strand, the complement: DST is on the minus strand). VCF-style: chr6-56640570-C-T. GRCh37 (hg19) VCF-style: chr6-56505368-C-T.
Other names: c.1964G>A, p.Arg655Lys (NM_001144769.5); c.1550G>A, p.Arg517Lys (NM_001144770.2); c.2063G>A, p.Arg688Lys (NM_001374722.1); c.1430G>A, p.Arg477Lys (NM_001374729.1, NM_001374730.1, NM_001386100.1 and 1 more transcripts); c.2090G>A, p.Arg697Lys (NM_001374734.1); c.452G>A, p.Arg151Lys (NM_001723.7, NM_015548.5); short protein forms R477K, R655K, R151K, R517K, R697K, R688K.
Identifiers: ClinVar variation 952790 (VCV000952790.10), dbSNP rs1271033147, ClinGen allele CA364579128.